The following is an entry in ClinVar:

ClinVar aggregate classification (germline): Uncertain significance. Review status: criteria provided, multiple submitters, no conflicts (2 of 4 stars). 2 submissions from 2 submitters: Uncertain significance (2). Last evaluated 2025-09-11.

Conditions:
Ataxia-telangiectasia-like disorder (ATLD). Identifiers: MedGen C1858391, MONDO:0011457.
Hereditary cancer-predisposing syndrome. Also called: Neoplastic Syndromes, Hereditary; Tumor predisposition; Hereditary Cancer Syndrome; Hereditary neoplastic syndrome. Identifiers: Orphanet 140162, MedGen C0027672, MeSH D009386, MONDO:0015356.

Allele frequency attached by ClinVar (database versions not stated): TOPMed 0.00002.

Submissions (2):

Ambry Genetics
Classification: Uncertain significance for Hereditary cancer-predisposing syndrome. Last evaluated: 2025-09-11. Review status: criteria provided, single submitter. Criteria: Ambry Variant Classification Scheme 2023. Collection method: clinical testing. Allele origin: germline.
Comment: The p.S538T variant (also known as c.1612T>A), located in coding exon 14 of the MRE11A gene, results from a T to A substitution at nucleotide position 1612. The serine at codon 538 is replaced by threonine, an amino acid with similar properties. This amino acid position is highly conserved in available vertebrate species. In addition, this alteration is predicted to be tolerated by in silico analysis. Since supporting evidence is limited at this time, the clinical significance of this alteration remains unclear.

Labcorp Genetics (formerly Invitae), Labcorp
Classification: Uncertain significance for Ataxia-telangiectasia-like disorder. Last evaluated: 2024-10-16. Review status: criteria provided, single submitter. Criteria: Invitae Variant Classification Sherloc (09022015). Collection method: clinical testing. Allele origin: germline.
Comment: This sequence change replaces serine, which is neutral and polar, with threonine, which is neutral and polar, at codon 538 of the MRE11 protein (p.Ser538Thr). This variant is not present in population databases (gnomAD no frequency). This variant has not been reported in the literature in individuals affected with MRE11-related conditions. ClinVar contains an entry for this variant (Variation ID: 819665). An algorithm developed to predict the effect of missense changes on protein structure and function (PolyPhen-2) suggests that this variant is likely to be tolerated. In summary, the available evidence is currently insufficient to determine the role of this variant in disease. Therefore, it has been classified as a Variant of Uncertain Significance.

NM_005591.4(MRE11):c.1612T>A (p.Ser538Thr)

Gene: MRE11 (MRE11 double strand break repair nuclease; minus strand). Cytogenetic location: 11q21.
Variant type: single nucleotide variant.
Coding change: c.1612T>A on transcript NM_005591.4 (MANE Select); coding-DNA position 1612, T replaced by A.
Protein change: p.Ser538Thr; replaces serine 538 with threonine.
Molecular consequence: missense variant.
Genome position (GRCh38, 1-based): chr11:94,447,390, A>T on the plus strand (T>A on the coding strand, the complement: MRE11 is on the minus strand). VCF-style: chr11-94447390-A-T. GRCh37 (hg19) VCF-style: chr11-94180556-A-T.
Other names: c.1612T>A, p.Ser538Thr (NM_001330347.2, NM_005590.4); short protein forms S538T.
Identifiers: ClinVar variation 819665 (VCV000819665.10), dbSNP rs771823269, ClinGen allele CA382368645.